The following is an entry in ClinVar:

NM_000702.4(ATP1A2):c.1147C>T (p.Arg383Cys)

Gene: ATP1A2 (ATPase Na+/K+ transporting subunit alpha 2; plus strand). Cytogenetic location: 1q23.2.
Variant type: single nucleotide variant.
Coding change: c.1147C>T on transcript NM_000702.4 (MANE Select); coding-DNA position 1147, C replaced by T.
Protein change: p.Arg383Cys; replaces arginine 383 with cysteine.
Molecular consequence: missense variant.
Genome position (GRCh38, 1-based): chr1:160,128,781, C>T. VCF-style: chr1-160128781-C-T. GRCh37 (hg19) VCF-style: chr1-160098571-C-T.
Other names: short protein forms R383C.
Identifiers: ClinVar variation 1986162 (VCV001986162.4), dbSNP rs2524868247, ClinGen allele CA343239556.

ClinVar aggregate classification (germline): Uncertain significance (1 of 4 stars; one submission).

Conditions:
Familial hemiplegic migraine. Identifiers: MedGen C0338484, MONDO:0000700.

Allele frequency attached by ClinVar (database versions not stated): gnomAD exomes below 0.00001.
gnomAD v4.1: 5 of 1,614,192 alleles (0.00031%); highest among the groups gnomAD compares: Admixed American, 0.0017%; no homozygotes.

Submission:

Labcorp Genetics (formerly Invitae), Labcorp
Classification: Uncertain significance for Familial hemiplegic migraine. Last evaluated: 2024-05-16. Review status: criteria provided, single submitter. Criteria: Invitae Variant Classification Sherloc (09022015). Collection method: clinical testing. Allele origin: germline.
Comment: This sequence change replaces arginine, which is basic and polar, with cysteine, which is neutral and slightly polar, at codon 383 of the ATP1A2 protein (p.Arg383Cys). This variant is not present in population databases (gnomAD no frequency). This variant has not been reported in the literature in individuals affected with ATP1A2-related conditions. ClinVar contains an entry for this variant (Variation ID: 1986162). Advanced modeling of protein sequence and biophysical properties (such as structural, functional, and spatial information, amino acid conservation, physicochemical variation, residue mobility, and thermodynamic stability) has been performed at Invitae for this missense variant, however the output from this modeling did not meet the statistical confidence thresholds required to predict the impact of this variant on ATP1A2 protein function. In summary, the available evidence is currently insufficient to determine the role of this variant in disease. Therefore, it has been classified as a Variant of Uncertain Significance.